The following is an entry in ClinVar:

ClinVar aggregate classification (germline): Uncertain significance. Review status: criteria provided, multiple submitters, no conflicts (2 of 4 stars). 3 submissions from 3 submitters: Uncertain significance (2). 1 of the submissions does not count toward it. Last evaluated 2025-06-12.

Conditions:
XPO5-related disorder. Also called: XPO5-related condition.

Allele frequency attached by ClinVar (database versions not stated): 1000 Genomes Project 0.00020; gnomAD 0.00036; gnomAD exomes 0.00037; TOPMed 0.00057; ExAC 0.00025; 1000 Genomes Project 30x 0.00031; ESP Exome Variant Server 0.00033.
gnomAD v4.1: 582 of 1,613,914 alleles (0.036%); highest among the groups gnomAD compares: African/African-American, 0.11%; 2 homozygotes.

Submissions (5):

Labcorp Genetics (formerly Invitae), Labcorp
Classification: Uncertain significance. Last evaluated: 2025-06-12. Review status: criteria provided, single submitter. Criteria: Invitae Variant Classification Sherloc (09022015). Collection method: clinical testing. Allele origin: germline.
Comment: This sequence change replaces asparagine, which is neutral and polar, with serine, which is neutral and polar, at codon 824 of the XPO5 protein (p.Asn824Ser). This variant is present in population databases (rs201138656, gnomAD 0.1%), and has an allele count higher than expected for a pathogenic variant. This variant has not been reported in the literature in individuals affected with XPO5-related conditions. ClinVar contains an entry for this variant (Variation ID: 2056092). An algorithm developed to predict the effect of missense changes on protein structure and function outputs the following: PolyPhen-2: "Benign". The serine amino acid residue is found in multiple mammalian species, which suggests that this missense change does not adversely affect protein function. In summary, the available evidence is currently insufficient to determine the role of this variant in disease. Therefore, it has been classified as a Variant of Uncertain Significance.

Ambry Genetics
Classification: Uncertain significance. Last evaluated: 2021-08-04. Review status: criteria provided, single submitter. Criteria: Ambry Variant Classification Scheme 2023. Collection method: clinical testing. Allele origin: germline.

PreventionGenetics, part of Exact Sciences
Classification: Uncertain significance for XPO5-related condition. Last evaluated: 2024-05-08. Review status: no assertion criteria provided. Collection method: clinical testing. Allele origin: germline. Not counted in ClinVar's aggregate classification.
Comment: The XPO5 c.2471A>G variant is predicted to result in the amino acid substitution p.Asn824Ser. To our knowledge, this variant has not been reported in the literature. This variant is reported in 0.095% of alleles in individuals of African descent in gnomAD. Although we suspect that this variant may be benign, at this time, the clinical significance of this variant is uncertain due to the absence of conclusive functional and genetic evidence.

Dr. Peter K. Rogan Lab, Western University
No classification provided (evidence only). Condition: Melanoma. Review status: no classification provided. Collection method: in vitro. Allele origin: not applicable. Functional consequence: retained intron. Not counted in ClinVar's aggregate classification.

Dr. Peter K. Rogan Lab, Western University
No classification provided (evidence only). Condition: Ovarian serous cystadenocarcinoma. Review status: no classification provided. Collection method: in vitro. Allele origin: not applicable. Functional consequence: retained intron. Not counted in ClinVar's aggregate classification.

NM_020750.3(XPO5):c.2471A>G (p.Asn824Ser)

Genes: POLR1C (RNA polymerase I and III subunit C; plus strand), XPO5 (exportin 5; minus strand). Cytogenetic location: 6p21.1.
Variant type: single nucleotide variant.
Coding change: c.2471A>G on transcript NM_020750.3 (MANE Select); coding-DNA position 2471, A replaced by G.
Protein change: p.Asn824Ser; replaces asparagine 824 with serine.
Molecular consequence: missense variant. On other transcripts: non-coding transcript variant (1), intron variant (1).
Genome position (GRCh38, 1-based): chr6:43,531,548, T>C on the plus strand (A>G on the coding strand, the complement: XPO5 is on the minus strand). VCF-style: chr6-43531548-T-C. GRCh37 (hg19) VCF-style: chr6-43499286-T-C.
Other names: c.922+10500T>C (NM_001363658.2); short protein forms N824S.
Identifiers: ClinVar variation 2056092 (VCV002056092.6), dbSNP rs201138656, ClinGen allele CA3826128.
Genomic context (GRCh38, chr6:43,531,548, plus strand): 5'-TAGAGGGTAGAGAAGAAACGCTGCATTCTTTCCAAGACGGTTTTGAAGACAGGAGAGTCA[T>C]TGAGTTCCAAGAGAGGTTGAGGTAATCCTACAGGGAAATACGGGTCAAGAACATGATGCT-3'
Protein context (NP_065801.1, residues 814-834): LGLPQPLLEL[Asn824Ser]DSPVFKTVLE